The following is an entry in ClinVar:

ClinVar aggregate classification (germline): Uncertain significance. Review status: criteria provided, multiple submitters, no conflicts (2 of 4 stars). 9 submissions from 9 submitters: Uncertain significance (9). Last evaluated 2026-06-12.

Conditions:
Hereditary cancer-predisposing syndrome. Also called: Hereditary Cancer Syndrome; Neoplastic Syndromes, Hereditary; Hereditary neoplastic syndrome; Tumor predisposition. Identifiers: Orphanet 140162, MedGen C0027672, MeSH D009386, MONDO:0015356.
POLD1-related polyposis and colorectal cancer syndrome (CRCS10). Also called: COLORECTAL CANCER, SUSCEPTIBILITY TO, ON CHROMOSOME 19q; Colorectal cancer 10; Colorectal cancer, susceptibility to, 10. Identifiers: Orphanet 220460, MedGen C2675481, MONDO:0012953, OMIM 612591.
Familial colorectal cancer. Identifiers: MedGen CN280943, MONDO:0023113. Disease mechanism: loss of function.
Mandibular hypoplasia-deafness-progeroid syndrome. Also called: Mandibular hypoplasia, deafness, progeroid features, and lipodystrophy syndrome. Identifiers: Orphanet 363649, MedGen C3715192, MONDO:0014157, OMIM 615381.
Immunodeficiency 120. Identifiers: MedGen C5935622, MONDO:0970994, OMIM 620836.

Allele frequency attached by ClinVar (database versions not stated): ExAC 0.00003; TOPMed 0.00004; gnomAD 0.00006; ESP Exome Variant Server 0.00008.
gnomAD v4.1: 30 of 1,598,924 alleles (0.0019%); highest among the groups gnomAD compares: Middle Eastern, 0.02%; no homozygotes.

Submissions (9):

Women's Health and Genetics/Laboratory Corporation of America, LabCorp
Classification: Uncertain significance. Last evaluated: 2026-06-12. Review status: criteria provided, single submitter. Criteria: LabCorp Variant Classification Summary - May 2015. Collection method: clinical testing. Allele origin: germline.
Comment: Variant summary: POLD1 c.934G>A (p.Val312Met) results in a conservative amino acid change in the encoded protein sequence. Algorithms developed to predict the effect of missense changes on protein structure and function are either unavailable or do not agree on the potential impact of this missense change. The variant allele was found at a frequency of 3.3e-05 in 244382 control chromosomes. The available data on variant occurrences in the general population are insufficient to allow any conclusion about variant significance. To our knowledge, no occurrence of c.934G>A in individuals affected with POLD1-related conditions and no experimental evidence demonstrating its impact on protein function have been reported. ClinVar contains an entry for this variant (Variation ID: 246387). Based on the evidence outlined above, the variant was classified as uncertain significance.

Ambry Genetics
Classification: Uncertain significance for Hereditary cancer-predisposing syndrome. Last evaluated: 2025-10-15. Review status: criteria provided, single submitter. Criteria: Ambry Variant Classification Scheme 2023. Collection method: clinical testing. Allele origin: germline.

Labcorp Genetics (formerly Invitae), Labcorp
Classification: Uncertain significance for POLD1-related polyposis and colorectal cancer syndrome. Last evaluated: 2024-11-15. Review status: criteria provided, single submitter. Criteria: Invitae Variant Classification Sherloc (09022015). Collection method: clinical testing. Allele origin: germline.
Comment: This sequence change replaces valine, which is neutral and non-polar, with methionine, which is neutral and non-polar, at codon 312 of the POLD1 protein (p.Val312Met). This variant is present in population databases (rs371612922, gnomAD 0.009%). This variant has not been reported in the literature in individuals affected with POLD1-related conditions. ClinVar contains an entry for this variant (Variation ID: 246387). Invitae Evidence Modeling of protein sequence and biophysical properties (such as structural, functional, and spatial information, amino acid conservation, physicochemical variation, residue mobility, and thermodynamic stability) indicates that this missense variant is not expected to disrupt POLD1 protein function with a negative predictive value of 80%. In summary, the available evidence is currently insufficient to determine the role of this variant in disease. Therefore, it has been classified as a Variant of Uncertain Significance.

Quest Diagnostics Nichols Institute San Juan Capistrano
Classification: Uncertain significance. Last evaluated: 2024-11-05. Review status: criteria provided, single submitter. Criteria: Quest Diagnostics criteria. Collection method: clinical testing. Allele origin: unknown.
Comment: The POLD1 c.934G>A (p.Val312Met) variant has been reported in the published literature as one of several germline variants in an individual with colorectal cancer (PMIDs: 31769227 (2020)) and in an individual with obsessive-compulsive disorder (PMID: 34183866 (2021)). The frequency of this variant in the general population, 0.000056 (7/125888 chromosomes (Genome Aggregation Database)), is uninformative in the assessment of its pathogenicity. Analysis of this variant using bioinformatics tools for the prediction of the effect of amino acid changes on protein structure and function yielded conflicting predictions that this variant is benign or damaging. Based on the available information, we are unable to determine the clinical significance of this variant.

Fulgent Genetics
Classification: Uncertain significance for POLD1-related polyposis and colorectal cancer syndrome; Mandibular hypoplasia-deafness-progeroid syndrome; Immunodeficiency 120. Last evaluated: 2024-06-13. Review status: criteria provided, single submitter. Criteria: ACMG Guidelines, 2015. Collection method: clinical testing. Allele origin: germline.

Baylor Genetics
Classification: Uncertain significance for POLD1-related polyposis and colorectal cancer syndrome. Last evaluated: 2024-03-24. Review status: criteria provided, single submitter. Criteria: ACMG Guidelines, 2015. Collection method: clinical testing. Allele origin: unknown.

GeneDx
Classification: Uncertain significance. Last evaluated: 2023-11-16. Review status: criteria provided, single submitter. Criteria: GeneDx Variant Classification Process June 2021. Collection method: clinical testing. Allele origin: germline. Affected: yes.
Comment: In silico analysis supports that this missense variant does not alter protein structure/function; Has not been previously published as pathogenic or benign to our knowledge; This variant is associated with the following publications: (PMID: 21157497, 34183866, 20951805)

Sema4
Classification: Uncertain significance for Hereditary cancer-predisposing syndrome. Last evaluated: 2022-02-03. Review status: criteria provided, single submitter. Criteria: Sema4 Curation Guidelines. Collection method: curation. Allele origin: germline.
Comment: The POLD1 c.934G>A (p.V312M) variant has been reported in a colorectal cancer cell line (PMID: 21157497). It was observed in 7/125888 chromosomes of the European (non-Finnish) subpopulation, in the large and broad cohorts of the Genome Aggregation Database (PMID: 32461654). This variant has been reported in ClinVar (Variation ID 246387). Functional studies have not been performed, and in silico predictions of the variant's effect on protein function are inconclusive. The evidence is insufficient to meet ACMG/AMP criteria for classifying the variant as benign or pathogenic. Thus, the clinical significance of this variant is currently uncertain.

Institute for Clinical Genetics, University Hospital TU Dresden, University Hospital TU Dresden
Classification: Uncertain significance. Last evaluated: 2021-11-03. Review status: criteria provided, single submitter. Criteria: ACMG Guidelines, 2015. Collection method: clinical testing. Allele origin: germline.

Literature cited by the submitters: PubMed 34183866 (cited by Quest Diagnostics Nichols Institute San Juan Capistrano); PubMed 21157497 (cited by Quest Diagnostics Nichols Institute San Juan Capistrano and Sema4); PubMed 37848928 (cited by Quest Diagnostics Nichols Institute San Juan Capistrano); PubMed 32620917 (cited by Quest Diagnostics Nichols Institute San Juan Capistrano); PubMed 31769227 (cited by Quest Diagnostics Nichols Institute San Juan Capistrano).

NM_002691.4(POLD1):c.934G>A (p.Val312Met)

Gene: POLD1 (DNA polymerase delta 1, catalytic subunit; plus strand). Cytogenetic location: 19q13.33.
Variant type: single nucleotide variant.
Coding change: c.934G>A on transcript NM_002691.4 (MANE Select); coding-DNA position 934, G replaced by A.
Protein change: p.Val312Met; replaces valine 312 with methionine.
Molecular consequence: missense variant. On other transcripts: non-coding transcript variant (1).
Genome position (GRCh38, 1-based): chr19:50,402,705, G>A. VCF-style: chr19-50402705-G-A. GRCh37 (hg19) VCF-style: chr19-50905962-G-A.
Other names: c.934G>A, p.Val312Met (NM_001256849.1, NM_001308632.1); short protein forms V312M.
Identifiers: ClinVar variation 246387 (VCV000246387.34), dbSNP rs371612922, ClinGen allele CA9595959.